The following is an entry in ClinVar:

ClinVar aggregate classification (germline): Uncertain significance (1 of 4 stars; one submission).

Conditions:
Inborn genetic diseases. Identifiers: MedGen C0950123, MeSH D030342.

Submission:

Ambry Genetics
Classification: Uncertain significance for Inborn genetic diseases. Last evaluated: 2024-09-15. Review status: criteria provided, single submitter. Criteria: Ambry Variant Classification Scheme 2023. Collection method: clinical testing. Allele origin: germline.
Comment: The p.T480I variant (also known as c.1439C>T), located in coding exon 15 of the ERCC2 gene, results from a C to T substitution at nucleotide position 1439. The threonine at codon 480 is replaced by isoleucine, an amino acid with similar properties. This amino acid position is conserved. In addition, the in silico prediction for this alteration is inconclusive. Based on the available evidence, the clinical significance of this variant remains unclear.

NM_000400.4(ERCC2):c.1439C>T (p.Thr480Ile)

Gene: ERCC2 (ERCC excision repair 2, TFIIH core complex helicase subunit; minus strand). Cytogenetic location: 19q13.32.
Variant type: single nucleotide variant.
Coding change: c.1439C>T on transcript NM_000400.4 (MANE Select); coding-DNA position 1439, C replaced by T.
Protein change: p.Thr480Ile; replaces threonine 480 with isoleucine.
Molecular consequence: missense variant.
Genome position (GRCh38, 1-based): chr19:45,357,310, G>A on the plus strand (C>T on the coding strand, the complement: ERCC2 is on the minus strand). VCF-style: chr19-45357310-G-A. GRCh37 (hg19) VCF-style: chr19-45860568-G-A.
Other names: short protein forms T480I.
Identifiers: ClinVar variation 3509864 (VCV003509864.1).
Genomic context (GRCh38, chr19:45,357,310, plus strand): 5'-CCCTAGCCTCTCCCACTCACCATAGGGCAGAGGCAGACCCGTGCCAGCGTCATGGTGAAG[G>A]TTGCCATGGTGACGGGGTGGAAGTCCAGGATCTTGGGGTAGATGTCCAGCGGGGACAGTG-3'
Protein context (NP_000391.1, residues 470-490): ILDFHPVTMA[Thr480Ile]FTMTLARVCL